The following is an entry in ClinVar:

ClinVar aggregate classification (germline): Uncertain significance (1 of 4 stars; one submission).

Allele frequency attached by ClinVar (database versions not stated): gnomAD 0.00007; gnomAD exomes 0.00008; 1000 Genomes Project 30x 0.00016; TOPMed 0.00019; 1000 Genomes Project 0.00020; ExAC 0.00024.
gnomAD v4.1: 122 of 1,609,034 alleles (0.0076%); highest among the groups gnomAD compares: Admixed American, 0.14%; no homozygotes.

Submission:

Labcorp Genetics (formerly Invitae), Labcorp
Classification: Uncertain significance. Last evaluated: 2025-07-08. Review status: criteria provided, single submitter. Criteria: Invitae Variant Classification Sherloc (09022015). Collection method: clinical testing. Allele origin: germline.
Comment: This sequence change replaces glycine, which is neutral and non-polar, with arginine, which is basic and polar, at codon 73 of the TOP1MT protein (p.Gly73Arg). This variant is present in population databases (rs540500364, gnomAD 0.2%), and has an allele count higher than expected for a pathogenic variant. This variant has not been reported in the literature in individuals affected with TOP1MT-related conditions. ClinVar contains an entry for this variant (Variation ID: 2055683). Invitae Evidence Modeling of protein sequence and biophysical properties (such as structural, functional, and spatial information, amino acid conservation, physicochemical variation, residue mobility, and thermodynamic stability) indicates that this missense variant is not expected to disrupt TOP1MT protein function with a negative predictive value of 80%. In summary, the available evidence is currently insufficient to determine the role of this variant in disease. Therefore, it has been classified as a Variant of Uncertain Significance.

NM_052963.3(TOP1MT):c.217G>A (p.Gly73Arg)

Gene: TOP1MT (DNA topoisomerase I mitochondrial; minus strand). Cytogenetic location: 8q24.3.
Variant type: single nucleotide variant.
Coding change: c.217G>A on transcript NM_052963.3 (MANE Select); coding-DNA position 217, G replaced by A.
Protein change: p.Gly73Arg; replaces glycine 73 with arginine.
Molecular consequence: missense variant. On other transcripts: 5 prime UTR variant (2).
Genome position (GRCh38, 1-based): chr8:143,331,245, C>T on the plus strand (G>A on the coding strand, the complement: TOP1MT is on the minus strand). VCF-style: chr8-143331245-C-T. GRCh37 (hg19) VCF-style: chr8-144413415-C-T.
Other names: c.-78G>A (NM_001258446.1, NM_001258447.1); short protein forms G73R.
Identifiers: ClinVar variation 2055683 (VCV002055683.4), dbSNP rs540500364, ClinGen allele CA4908959.